The following is an entry in ClinVar:

ClinVar aggregate classification (germline): Benign (0 of 4 stars; one submission).

Conditions:
PHYKPL-related disorder. Also called: PHYKPL-related condition.

Allele frequency attached by ClinVar (database versions not stated): gnomAD exomes 0.00021; ExAC 0.00086; gnomAD 0.00231; ESP Exome Variant Server 0.00238; TOPMed 0.00263; 1000 Genomes Project 0.00459; 1000 Genomes Project 30x 0.00547.
gnomAD v4.1: 670 of 1,614,078 alleles (0.042%); highest among the groups gnomAD compares: African/African-American, 0.71%; 5 homozygotes.

Submission:

PreventionGenetics, part of Exact Sciences
Classification: Benign for PHYKPL-related condition. Last evaluated: 2019-08-28. Review status: no assertion criteria provided. Collection method: clinical testing. Allele origin: germline.
Comment: This variant is classified as benign based on ACMG/AMP sequence variant interpretation guidelines (Richards et al. 2015 PMID: 25741868, with internal and published modifications).

NM_153373.4(PHYKPL):c.634G>A (p.Ala212Thr)

Gene: PHYKPL (5-phosphohydroxy-L-lysine phospho-lyase; minus strand). Cytogenetic location: 5q35.3.
Variant type: single nucleotide variant.
Coding change: c.634G>A on transcript NM_153373.4 (MANE Select); coding-DNA position 634, G replaced by A.
Protein change: p.Ala212Thr; replaces alanine 212 with threonine.
Molecular consequence: missense variant. On other transcripts: non-coding transcript variant (3).
Genome position (GRCh38, 1-based): chr5:178,222,919, C>T on the plus strand (G>A on the coding strand, the complement: PHYKPL is on the minus strand). VCF-style: chr5-178222919-C-T. GRCh37 (hg19) VCF-style: chr5-177649920-C-T.
Other names: c.511G>A, p.Ala171Thr (NM_001278346.1); c.-104G>A (NM_032921.1); short protein forms A171T, A212T.
Identifiers: ClinVar variation 3053562 (VCV003053562.2), dbSNP rs142142484, ClinGen allele CA3590194.